The following is an entry in ClinVar:

NM_172107.4(KCNQ2):c.151G>A (p.Gly51Ser)

Gene: KCNQ2 (potassium voltage-gated channel subfamily Q member 2; minus strand). Cytogenetic location: 20q13.33.
Variant type: single nucleotide variant.
Coding change: c.151G>A on transcript NM_172107.4 (MANE Select); coding-DNA position 151, G replaced by A.
Protein change: p.Gly51Ser; replaces glycine 51 with serine.
Molecular consequence: missense variant.
Genome position (GRCh38, 1-based): chr20:63,472,313, C>T on the plus strand (G>A on the coding strand, the complement: KCNQ2 is on the minus strand). VCF-style: chr20-63472313-C-T. GRCh37 (hg19) VCF-style: chr20-62103666-C-T.
Other names: c.151G>A, p.Gly51Ser (NM_001382235.1, NM_004518.6, NM_172106.3 and 2 more transcripts); short protein forms G51S.
Identifiers: ClinVar variation 2705407 (VCV002705407.3), dbSNP rs2516745178, ClinGen allele CA409635429.
Genomic context (GRCh38, chr20:63,472,313, plus strand): 5'-TGCGCTTGGGGGGCTTCCCGGCGCCCGCGCCGCCCGCGCGAGGTTTGCTGAGGATGCTGC[C>T]GCGCTTGGGGGCCTCGGAGCCGGCGATCAGCAGCGCCCCGTCCCGGGTGGAGTCGGGCGC-3'
Protein context (NP_742105.1, residues 41-61): LIAGSEAPKR[Gly51Ser]SILSKPRAGG

ClinVar aggregate classification (germline): Uncertain significance (1 of 4 stars; one submission).

Conditions:
Early-infantile DEE. Also called: Ohtahara syndrome; Early infantile epileptic encephalopathy with suppression bursts; Early infantile epileptic encephalopathy. Identifiers: Orphanet 1934, MedGen C0393706, MONDO:0800491.

Submission:

Labcorp Genetics (formerly Invitae), Labcorp
Classification: Uncertain significance for Early-infantile DEE. Last evaluated: 2023-12-25. Review status: criteria provided, single submitter. Criteria: Invitae Variant Classification Sherloc (09022015). Collection method: clinical testing. Allele origin: germline.
Comment: This sequence change replaces glycine, which is neutral and non-polar, with serine, which is neutral and polar, at codon 51 of the KCNQ2 protein (p.Gly51Ser). This variant is not present in population databases (gnomAD no frequency). This variant has not been reported in the literature in individuals affected with KCNQ2-related conditions. Advanced modeling of protein sequence and biophysical properties (such as structural, functional, and spatial information, amino acid conservation, physicochemical variation, residue mobility, and thermodynamic stability) performed at Invitae indicates that this missense variant is not expected to disrupt KCNQ2 protein function with a negative predictive value of 95%. In summary, the available evidence is currently insufficient to determine the role of this variant in disease. Therefore, it has been classified as a Variant of Uncertain Significance.